The following is an entry in ClinVar:

ClinVar aggregate classification (germline): Uncertain significance. Review status: criteria provided, multiple submitters, no conflicts (2 of 4 stars). 3 submissions from 3 submitters: Uncertain significance (3). Last evaluated 2025-03-05.

Conditions:
Hyperimmunoglobulin D with periodic fever (HIDS). Also called: Hyperimmunoglobulinemia D with periodic fever; HYPERIMMUNOGLOBULINEMIA D AND PERIODIC FEVER SYNDROME; Hyperimmunoglobulinemia D. Identifiers: Orphanet 343, MedGen C0398691, MONDO:0009849, OMIM 260920.
Porokeratosis 3, disseminated superficial actinic type (POROK3). Also called: POROKERATOSIS, DISSEMINATED SUPERFICIAL ACTINIC, 1; POROKERATOSIS 3, MULTIPLE TYPES; POROKERATOSIS 3, MIBELLI TYPE. Identifiers: MedGen C1867981, MONDO:0008293, OMIM 175900.
Mevalonic aciduria (MEVA). Identifiers: Orphanet 29, MedGen C1959626, MONDO:0012481, OMIM 610377.
Inborn genetic diseases. Identifiers: MedGen C0950123, MeSH D030342.

Allele frequency attached by ClinVar (database versions not stated): TOPMed below 0.00001; ExAC 0.00001; gnomAD 0.00001; ESP Exome Variant Server 0.00008.
gnomAD v4.1: 1 of 1,614,156 alleles (0.000062%); highest among the groups gnomAD compares: African/African-American, 0.0013%; no homozygotes.

Submissions (3):

Labcorp Genetics (formerly Invitae), Labcorp
Classification: Uncertain significance for Mevalonic aciduria; Hyperimmunoglobulin D with periodic fever; Porokeratosis 3, disseminated superficial actinic type. Last evaluated: 2025-03-05. Review status: criteria provided, single submitter. Criteria: Invitae Variant Classification Sherloc (09022015). Collection method: clinical testing. Allele origin: germline.
Comment: This sequence change replaces valine, which is neutral and non-polar, with isoleucine, which is neutral and non-polar, at codon 103 of the MVK protein (p.Val103Ile). This variant is present in population databases (rs368584681, gnomAD 0.0009%). This variant has not been reported in the literature in individuals affected with MVK-related conditions. ClinVar contains an entry for this variant (Variation ID: 2316162). An algorithm developed to predict the effect of missense changes on protein structure and function outputs the following: PolyPhen-2: "Benign". The isoleucine amino acid residue is found in multiple mammalian species, which suggests that this missense change does not adversely affect protein function. In summary, the available evidence is currently insufficient to determine the role of this variant in disease. Therefore, it has been classified as a Variant of Uncertain Significance.

Fulgent Genetics
Classification: Uncertain significance for Porokeratosis 3, disseminated superficial actinic type; Hyperimmunoglobulin D with periodic fever; Mevalonic aciduria. Last evaluated: 2024-04-23. Review status: criteria provided, single submitter. Criteria: ACMG Guidelines, 2015. Collection method: clinical testing. Allele origin: germline.

Ambry Genetics
Classification: Uncertain significance for Inborn genetic diseases. Last evaluated: 2022-10-04. Review status: criteria provided, single submitter. Criteria: Ambry Variant Classification Scheme 2023. Collection method: clinical testing. Allele origin: germline.

NM_000431.4(MVK):c.307G>A (p.Val103Ile)

Gene: MVK (mevalonate kinase; plus strand). Cytogenetic location: 12q24.11.
Variant type: single nucleotide variant.
Coding change: c.307G>A on transcript NM_000431.4 (MANE Select); coding-DNA position 307, G replaced by A.
Protein change: p.Val103Ile; replaces valine 103 with isoleucine.
Molecular consequence: missense variant.
Genome position (GRCh38, 1-based): chr12:109,579,882, G>A. VCF-style: chr12-109579882-G-A. GRCh37 (hg19) VCF-style: chr12-110017687-G-A.
Other names: c.307G>A, p.Val103Ile (NM_001114185.3, NM_001301182.2, NM_001414511.1 and 3 more transcripts); c.-276G>A (NM_001414515.1); short protein forms V103I.
Identifiers: ClinVar variation 2316162 (VCV002316162.5), dbSNP rs368584681, ClinGen allele CA6779214.